The following is an entry in ClinVar:

NM_001142864.4(PIEZO1):c.6928dup

Gene: PIEZO1 (piezo type mechanosensitive ion channel component 1 (Er blood group); minus strand). Cytogenetic location: 16q24.3.
Variant type: Duplication.
Coding change: c.6928dup on transcript NM_001142864.4 (MANE Select); coding-DNA position 6928, one base duplicated (G; older notation c.6928dupG).
Molecular consequence: splice acceptor variant.
Genome position (GRCh38, 1-based): chr16:88,716,482, C duplicated on the plus strand (G on the coding strand, the reverse complement: PIEZO1 is on the minus strand); the first of 3 consecutive C bases (chr16:88,716,482-88,716,484); duplicating any one gives the same sequence. VCF-style (leftmost placement, unchanged base first): chr16-88716481-T-TC. GRCh37 (hg19) VCF-style: chr16-88782889-T-TC.
Identifiers: ClinVar variation 5005654 (VCV005005654.2).

ClinVar aggregate classification (germline): Likely pathogenic (1 of 4 stars; one submission).

Conditions:
Blood group, ER (ER). Also called: ER BLOOD GROUP SYSTEM. Identifiers: MedGen C5703066, OMIM 620207.
Dehydrated hereditary stomatocytosis with or without pseudohyperkalemia and/or perinatal edema (DHS1). Also called: Dehydrated hereditary stomatocytosis 1 with or without pseudohyperkalemia and/or perinatal edema; PSEUDOHYPERKALEMIA EDINBURGH; DEHYDRATED HEREDITARY STOMATOCYTOSIS AND PSEUDOHYPERKALEMIA; DEHYDRATED HEREDITARY STOMATOCYTOSIS WITH PSEUDOHYPERKALEMIA AND PERINATAL EDEMA; Pseudohyperkalemia, familial, 1, due to red cell leak. Identifiers: Orphanet 3202, MedGen C4551512, MONDO:0008689, OMIM 194380.
Lymphatic malformation 6 (LMPHM6). Also called: PIEZO1-related generalized lymphatic dysplasia with non-immune hydrops fetalis; GENERALIZED LYMPHATIC DYSPLASIA OF FOTIOU; Lymphedema, hereditary, III. Identifiers: Orphanet 568062, MedGen C4225184, MONDO:0014797, OMIM 616843.

Submission:

Juno Genomics, Hangzhou Juno Genomics, Inc
Classification: Likely pathogenic for Blood group, ER; Dehydrated hereditary stomatocytosis with or without pseudohyperkalemia and/or perinatal edema; Lymphatic malformation 6. Review status: criteria provided, single submitter. Criteria: ACMG Guidelines, 2015. Collection method: clinical testing. Allele origin: germline.
Comment: Null variant in a gene where loss of function (LOF) is a known mechanism of disease.;Absent from controls (or at extremely low frequency if recessive) in Genome Aggregation Database.